The following is an entry in ClinVar:

ClinVar aggregate classification (germline): Uncertain significance. Review status: criteria provided, multiple submitters, no conflicts (2 of 4 stars). 3 submissions from 3 submitters: Uncertain significance (2). 1 of the submissions does not count toward it. Last evaluated 2024-11-04.

Conditions:
Aicardi Goutieres syndrome (AGS). Also called: Encephalopathy, familial infantile, with calcification of basal ganglia and chronic cerebrospinal fluid lymphocytosis. Identifiers: Orphanet 51, MedGen C0393591, MONDO:0018866.
Aicardi-Goutieres syndrome 5. Identifiers: Orphanet 51, MedGen C2749659, MONDO:0013059, OMIM 612952.

Allele frequency attached by ClinVar (database versions not stated): TOPMed below 0.00001; ExAC 0.00001; gnomAD exomes 0.00001.
gnomAD v4.1: 13 of 1,612,538 alleles (0.00081%); highest among the groups gnomAD compares: South Asian, 0.0011%; no homozygotes.

Submissions (3):

Blueprint Genetics
Classification: Uncertain significance. Last evaluated: 2024-11-04. Review status: criteria provided, single submitter. Criteria: ACMG Guidelines, 2015. Collection method: clinical testing. Allele origin: germline.

Labcorp Genetics (formerly Invitae), Labcorp
Classification: Uncertain significance for Aicardi-Goutieres syndrome 5. Last evaluated: 2022-08-31. Review status: criteria provided, single submitter. Criteria: Invitae Variant Classification Sherloc (09022015). Collection method: clinical testing. Allele origin: germline.
Comment: This sequence change replaces arginine, which is basic and polar, with cysteine, which is neutral and slightly polar, at codon 348 of the SAMHD1 protein (p.Arg348Cys). This variant is present in population databases (rs761561066, gnomAD 0.003%). This variant has not been reported in the literature in individuals affected with SAMHD1-related conditions. ClinVar contains an entry for this variant (Variation ID: 636683). Algorithms developed to predict the effect of missense changes on protein structure and function output the following: SIFT: "Deleterious"; PolyPhen-2: "Benign"; Align-GVGD: "Class C25". The cysteine amino acid residue is found in multiple mammalian species, which suggests that this missense change does not adversely affect protein function. In summary, the available evidence is currently insufficient to determine the role of this variant in disease. Therefore, it has been classified as a Variant of Uncertain Significance.

Natera, Inc.
Classification: Uncertain significance for Aicardi-Goutieres syndrome. Last evaluated: 2020-08-12. Review status: no assertion criteria provided. Collection method: clinical testing. Allele origin: germline. Not counted in ClinVar's aggregate classification.

NM_015474.4(SAMHD1):c.1042C>T (p.Arg348Cys)

Gene: SAMHD1 (SAM and HD domain containing deoxynucleoside triphosphate triphosphohydrolase 1; minus strand). Cytogenetic location: 20q11.23.
Variant type: single nucleotide variant.
Coding change: c.1042C>T on transcript NM_015474.4 (MANE Select); coding-DNA position 1042, C replaced by T.
Protein change: p.Arg348Cys; replaces arginine 348 with cysteine.
Molecular consequence: missense variant.
Genome position (GRCh38, 1-based): chr20:36,916,742, G>A on the plus strand (C>T on the coding strand, the complement: SAMHD1 is on the minus strand). VCF-style: chr20-36916742-G-A. GRCh37 (hg19) VCF-style: chr20-35545145-G-A.
Other names: c.1042C>T, p.Arg348Cys (NM_001363729.2, NM_001363733.2); short protein forms R348C.
Identifiers: ClinVar variation 636683 (VCV000636683.9), dbSNP rs761561066, ClinGen allele CA9844603.